The following is an entry in ClinVar:

ClinVar aggregate classification (germline): Uncertain significance (1 of 4 stars; one submission).

Conditions:
Imerslund-Grasbeck syndrome. Also called: PERNICIOUS ANEMIA, JUVENILE, DUE TO SELECTIVE INTESTINAL MALABSORPTION OF VITAMIN B12, WITH PROTEINURIA; Imerslund-Gräsbeck syndrome; ENTEROCYTE COBALAMIN MALABSORPTION; ENTEROCYTE INTRINSIC FACTOR RECEPTOR, DEFECT OF; Megaloblastic anemia due to inborn errors of metabolism. Identifiers: Orphanet 35858, MedGen C4551825, MONDO:0009853.

Allele frequency attached by ClinVar (database versions not stated): ESP Exome Variant Server 0.00008.
gnomAD v4.1: 5 of 1,613,438 alleles (0.00031%); highest among the groups gnomAD compares: Non-Finnish European, 0.00042%; no homozygotes.

Submissions (3):

Labcorp Genetics (formerly Invitae), Labcorp
Classification: Uncertain significance for Imerslund-Grasbeck syndrome. Last evaluated: 2022-08-16. Review status: criteria provided, single submitter. Criteria: Invitae Variant Classification Sherloc (09022015). Collection method: clinical testing. Allele origin: germline.
Comment: This sequence change replaces arginine, which is basic and polar, with leucine, which is neutral and non-polar, at codon 520 of the CUBN protein (p.Arg520Leu). This variant is present in population databases (rs145380076, gnomAD 0.007%). This variant has not been reported in the literature in individuals affected with CUBN-related conditions. Algorithms developed to predict the effect of missense changes on protein structure and function (SIFT, PolyPhen-2, Align-GVGD) all suggest that this variant is likely to be tolerated. Algorithms developed to predict the effect of sequence changes on RNA splicing suggest that this variant may create or strengthen a splice site. In summary, the available evidence is currently insufficient to determine the role of this variant in disease. Therefore, it has been classified as a Variant of Uncertain Significance.

Dr. Peter K. Rogan Lab, Western University
No classification provided (evidence only). Condition: Papillary renal cell carcinoma type 1. Review status: no classification provided. Collection method: in vitro. Allele origin: not applicable. Functional consequence: retained intron. Not counted in ClinVar's aggregate classification.

Dr. Peter K. Rogan Lab, Western University
No classification provided (evidence only). Condition: Uterine corpus endometrial carcinoma. Review status: no classification provided. Collection method: in vitro. Allele origin: not applicable. Functional consequence: retained intron. Not counted in ClinVar's aggregate classification.

NM_001081.4(CUBN):c.1559G>T (p.Arg520Leu)

Gene: CUBN (cubilin; minus strand). Cytogenetic location: 10p13.
Variant type: single nucleotide variant.
Coding change: c.1559G>T on transcript NM_001081.4 (MANE Select); coding-DNA position 1559, G replaced by T.
Protein change: p.Arg520Leu; replaces arginine 520 with leucine.
Molecular consequence: missense variant.
Genome position (GRCh38, 1-based): chr10:17,100,211, C>A on the plus strand (G>T on the coding strand, the complement: CUBN is on the minus strand). VCF-style: chr10-17100211-C-A. GRCh37 (hg19) VCF-style: chr10-17142210-C-A.
Other names: short protein forms R520L.
Identifiers: ClinVar variation 2163719 (VCV002163719.2), dbSNP rs145380076, ClinGen allele CA203594745.